The following is an entry in ClinVar:

ClinVar aggregate classification (germline): Uncertain significance (1 of 4 stars; one submission).

Submission:

GeneDx
Classification: Uncertain significance. Last evaluated: 2025-05-27. Review status: criteria provided, single submitter. Criteria: GeneDx Variant Classification Process June 2021. Collection method: clinical testing. Allele origin: germline. Affected: yes.
Comment: Not observed at significant frequency in large population cohorts (gnomAD); In silico analysis supports that this missense variant has a deleterious effect on protein structure/function; Has not been previously published as pathogenic or benign to our knowledge; Occurs in the triple helical domain at the X position in the canonical Gly-X-Y repeat; although this variant may have an effect on normal protein folding and function, missense substitution at the X position is not a common mechanism of disease (HGMD)

NM_000090.4(COL3A1):c.920A>C (p.Glu307Ala)

Gene: COL3A1 (collagen type III alpha 1 chain; plus strand). Cytogenetic location: 2q32.2.
Variant type: single nucleotide variant.
Coding change: c.920A>C on transcript NM_000090.4 (MANE Select); coding-DNA position 920, A replaced by C.
Protein change: p.Glu307Ala; replaces glutamic acid 307 with alanine.
Molecular consequence: missense variant.
Genome position (GRCh38, 1-based): chr2:188,991,691, A>C. VCF-style: chr2-188991691-A-C. GRCh37 (hg19) VCF-style: chr2-189856417-A-C.
Other names: short protein forms E307A.
Identifiers: ClinVar variation 4532481 (VCV004532481.1).
Genomic context (GRCh38, chr2:188,991,691, plus strand): 5'-AGATTAGAGTAAAACCATATTTCAATTTTACTCTGTAGGGTCCAAGAGGGGCTCCTGGTG[A>C]GCGAGGACGGCCAGGACTTCCTGGGGCTGCAGTGAGTATAGCTGCTAACATCACACAATT-3'
Protein context (NP_000081.2, residues 297-317): GPMGPRGAPG[Glu307Ala]RGRPGLPGAA